The following is an entry in ClinVar:

NM_001393997.1(CCAR2):c.1530C>T (p.Ile510=)

Gene: CCAR2 (cell cycle and apoptosis regulator 2; plus strand). Cytogenetic location: 8p21.3.
Variant type: single nucleotide variant.
Coding change: c.1530C>T on transcript NM_001393997.1 (MANE Select); coding-DNA position 1530, C replaced by T.
Protein change: p.Ile510=; no amino-acid change (isoleucine 510 retained).
Molecular consequence: synonymous variant.
Genome position (GRCh38, 1-based): chr8:22,615,834, C>T. VCF-style: chr8-22615834-C-T. GRCh37 (hg19) VCF-style: chr8-22473347-C-T.
Other names: c.1530C>T, p.Ile510= (NM_001363068.2, NM_001363069.2, NM_021174.6).
Identifiers: ClinVar variation 3049038 (VCV003049038.2), dbSNP rs143313961, ClinGen allele CA4670803.

ClinVar aggregate classification (germline): Likely benign (0 of 4 stars; one submission).

Conditions:
CCAR2-related disorder. Also called: CCAR2-related condition.

Allele frequency attached by ClinVar (database versions not stated): ExAC 0.00067; 1000 Genomes Project 0.00180; 1000 Genomes Project 30x 0.00187; ESP Exome Variant Server 0.00269.
gnomAD v4.1: 736 of 1,613,964 alleles (0.046%); highest among the groups gnomAD compares: African/African-American, 0.66%; 7 homozygotes.

Submission:

PreventionGenetics, part of Exact Sciences
Classification: Likely benign for CCAR2-related condition. Last evaluated: 2019-02-18. Review status: no assertion criteria provided. Collection method: clinical testing. Allele origin: germline.
Comment: This variant is classified as likely benign based on ACMG/AMP sequence variant interpretation guidelines (Richards et al. 2015 PMID: 25741868, with internal and published modifications).